The following is an entry in ClinVar:

NM_001375567.1(FOCAD):c.1939A>G (p.Thr647Ala)

Gene: FOCAD (focadhesin; plus strand). Cytogenetic location: 9p21.3.
Variant type: single nucleotide variant.
Coding change: c.1939A>G on transcript NM_001375567.1 (MANE Select); coding-DNA position 1939, A replaced by G.
Protein change: p.Thr647Ala; replaces threonine 647 with alanine.
Molecular consequence: missense variant.
Genome position (GRCh38, 1-based): chr9:20,862,596, A>G. VCF-style: chr9-20862596-A-G. GRCh37 (hg19) VCF-style: chr9-20862595-A-G.
Other names: c.1834A>G, p.Thr612Ala (NM_001375568.1, NM_001375570.1); c.1939A>G, p.Thr647Ala (NM_017794.5); short protein forms T647A, T612A.
Identifiers: ClinVar variation 3632070 (VCV003632070.2).
Genomic context (GRCh38, chr9:20,862,596, plus strand): 5'-TGGAGTCTTGTTAGGTGTTGACCTTTTCTATTTGCTTCACAGGTTGTTTGCATTCGCTCC[A>G]CTTGGAATGCTCTCTCTCCAAAGCTGAGTTGTGACACAAGACCTCTCATTCTGAAGACAC-3'
Protein context (NP_001362496.1, residues 637-657): CQAEVVCIRS[Thr647Ala]WNALSPKLSC

ClinVar aggregate classification (germline): Uncertain significance (1 of 4 stars; one submission).

gnomAD v4.1: 5 of 1,613,244 alleles (0.00031%); highest among the groups gnomAD compares: South Asian, 0.0011%; no homozygotes.

Submission:

Labcorp Genetics (formerly Invitae), Labcorp
Classification: Uncertain significance. Last evaluated: 2024-07-11. Review status: criteria provided, single submitter. Criteria: Invitae Variant Classification Sherloc (09022015). Collection method: clinical testing. Allele origin: germline.
Comment: This sequence change replaces threonine, which is neutral and polar, with alanine, which is neutral and non-polar, at codon 647 of the FOCAD protein (p.Thr647Ala). This variant is present in population databases (rs749912265, gnomAD 0.005%). This variant has not been reported in the literature in individuals affected with FOCAD-related conditions. Experimental studies and prediction algorithms are not available or were not evaluated, and the functional significance of this variant is currently unknown. In summary, the available evidence is currently insufficient to determine the role of this variant in disease. Therefore, it has been classified as a Variant of Uncertain Significance.